The following is an entry in ClinVar:

ClinVar aggregate classification (germline): Uncertain significance (1 of 4 stars; one submission).

gnomAD v4.1: 2 of 1,614,074 alleles (0.00012%); highest among the groups gnomAD compares: Non-Finnish European, 0.00017%; no homozygotes.

Submission:

Labcorp Genetics (formerly Invitae), Labcorp
Classification: Uncertain significance. Last evaluated: 2025-12-27. Review status: criteria provided, single submitter. Criteria: Invitae Variant Classification Sherloc (09022015). Collection method: clinical testing. Allele origin: germline.
Comment: This sequence change replaces valine, which is neutral and non-polar, with methionine, which is neutral and non-polar, at codon 894 of the DSG1 protein (p.Val894Met). This variant is not present in population databases (gnomAD no frequency). This variant has not been reported in the literature in individuals affected with DSG1-related conditions. An algorithm developed to predict the effect of missense changes on protein structure and function (PolyPhen-2) suggests that this variant is likely to be disruptive. In summary, the available evidence is currently insufficient to determine the role of this variant in disease. Therefore, it has been classified as a Variant of Uncertain Significance.

NM_001942.4(DSG1):c.2680G>A (p.Val894Met)

Genes: DSG1 (desmoglein 1; plus strand), DSG1-AS1 (DSG1 antisense RNA 1; minus strand). Cytogenetic location: 18q12.1.
Variant type: single nucleotide variant.
Coding change: c.2680G>A on transcript NM_001942.4 (MANE Select); coding-DNA position 2680, G replaced by A.
Protein change: p.Val894Met; replaces valine 894 with methionine.
Molecular consequence: missense variant.
Genome position (GRCh38, 1-based): chr18:31,354,876, G>A. VCF-style: chr18-31354876-G-A. GRCh37 (hg19) VCF-style: chr18-28934839-G-A.
Other names: short protein forms V894M.
Identifiers: ClinVar variation 4743261 (VCV004743261.1).